The following is an entry in ClinVar:

ClinVar aggregate classification (germline): Uncertain significance (1 of 4 stars; one submission).

Conditions:
Severe combined immunodeficiency, autosomal recessive, T cell-negative, B cell-negative, NK cell-positive. Also called: SCID, T CELL-NEGATIVE, B CELL-NEGATIVE, NK CELL-POSITIVE; SCID, AR, T-cell negative, B-cell negative, NK cell-positive; Severe combined immunodeficiency due to complete RAG1/2 deficiency. Identifiers: Orphanet 331206, MedGen C1832322, MONDO:0011086, OMIM 601457.
Combined immunodeficiency with skin granulomas. Identifiers: Orphanet 157949, MedGen C2673536, MONDO:0009306, OMIM 233650.

Submission:

Labcorp Genetics (formerly Invitae), Labcorp
Classification: Uncertain significance for Combined immunodeficiency with skin granulomas; Severe combined immunodeficiency, autosomal recessive, T cell-negative, B cell-negative, NK cell-positive. Last evaluated: 2019-04-01. Review status: criteria provided, single submitter. Criteria: Invitae Variant Classification Sherloc (09022015). Collection method: clinical testing. Allele origin: germline.
Comment: In summary, the available evidence is currently insufficient to determine the role of this variant in disease. Therefore, it has been classified as a Variant of Uncertain Significance. Algorithms developed to predict the effect of missense changes on protein structure and function (SIFT, PolyPhen-2, Align-GVGD) all suggest that this variant is likely to be disruptive, but these predictions have not been confirmed by published functional studies and their clinical significance is uncertain. This variant has not been reported in the literature in individuals with RAG1-related conditions. This variant is not present in population databases (ExAC no frequency). This sequence change replaces threonine with serine at codon 750 of the RAG1 protein (p.Thr750Ser). The threonine residue is highly conserved and there is a small physicochemical difference between threonine and serine.

NM_000448.3(RAG1):c.2248A>T (p.Thr750Ser)

Gene: RAG1 (recombination activating 1; plus strand). Cytogenetic location: 11p12.
Variant type: single nucleotide variant.
Coding change: c.2248A>T on transcript NM_000448.3 (MANE Select); coding-DNA position 2248, A replaced by T.
Protein change: p.Thr750Ser; replaces threonine 750 with serine.
Molecular consequence: missense variant.
Genome position (GRCh38, 1-based): chr11:36,575,552, A>T. VCF-style: chr11-36575552-A-T. GRCh37 (hg19) VCF-style: chr11-36597102-A-T.
Other names: c.2248A>T, p.Thr750Ser (NM_001377277.1, NM_001377278.1, NM_001377279.1 and 1 more transcripts); short protein forms T750S.
Identifiers: ClinVar variation 950346 (VCV000950346.9), dbSNP rs1850832170, ClinGen allele CA380154311.